The following is an entry in ClinVar:

NM_014408.5(TRAPPC3):c.508C>T (p.Arg170Trp)

Gene: TRAPPC3 (trafficking protein particle complex subunit 3; minus strand). Cytogenetic location: 1p34.3.
Variant type: single nucleotide variant.
Coding change: c.508C>T on transcript NM_014408.5 (MANE Select); coding-DNA position 508, C replaced by T.
Protein change: p.Arg170Trp; replaces arginine 170 with tryptophan.
Molecular consequence: missense variant. On other transcripts: non-coding transcript variant (2).
Genome position (GRCh38, 1-based): chr1:36,137,238, G>A on the plus strand (C>T on the coding strand, the complement: TRAPPC3 is on the minus strand). VCF-style: chr1-36137238-G-A. GRCh37 (hg19) VCF-style: chr1-36602839-G-A.
Other names: c.310C>T, p.Arg104Trp (NM_001270897.2); c.370C>T, p.Arg124Trp (NM_001270895.2, NM_001270896.2); c.532C>T, p.Arg178Trp (NM_001270894.2); short protein forms R170W, R178W, R104W, R124W.
Identifiers: ClinVar variation 1940538 (VCV001940538.5), dbSNP rs1025048676, ClinGen allele CA20688702.
Genomic context (GRCh38, chr1:36,137,238, plus strand): 5'-GGCTATCCTCGAGTTGTAGGGATGGTTATTCCTCTCCAGCTGGAAGATTGTCCTCAATCC[G>A]CCTGATGAATCTCATCCGGATTTCTGTCACACCGTCTCCTTTCAGGGTGTCCTGGACAAA-3'
Protein context (NP_055223.1, residues 160-180): VTEIRMRFIR[Arg170Trp]IEDNLPAGEE

ClinVar aggregate classification (germline): Uncertain significance (1 of 4 stars; one submission).

Allele frequency attached by ClinVar (database versions not stated): TOPMed below 0.00001; gnomAD exomes 0.00001.
gnomAD v4.1: 8 of 1,612,678 alleles (0.0005%); highest among the groups gnomAD compares: Admixed American, 0.005%; no homozygotes.

Submission:

Labcorp Genetics (formerly Invitae), Labcorp
Classification: Uncertain significance. Last evaluated: 2022-05-03. Review status: criteria provided, single submitter. Criteria: Invitae Variant Classification Sherloc (09022015). Collection method: clinical testing. Allele origin: germline.
Comment: In summary, the available evidence is currently insufficient to determine the role of this variant in disease. Therefore, it has been classified as a Variant of Uncertain Significance. Algorithms developed to predict the effect of missense changes on protein structure and function are either unavailable or do not agree on the potential impact of this missense change (SIFT: "Deleterious"; PolyPhen-2: "Not Available"; Align-GVGD: "Class C0"). This variant has not been reported in the literature in individuals affected with TRAPPC3-related conditions. This variant is present in population databases (no rsID available, gnomAD 0.006%). This sequence change replaces arginine, which is basic and polar, with tryptophan, which is neutral and slightly polar, at codon 178 of the TRAPPC3 protein (p.Arg178Trp).